The following is an entry in ClinVar:

NM_000540.3(RYR1):c.4931A>G (p.Asn1644Ser)

Gene: RYR1 (ryanodine receptor 1; plus strand). Cytogenetic location: 19q13.2.
Variant type: single nucleotide variant.
Coding change: c.4931A>G on transcript NM_000540.3 (MANE Select); coding-DNA position 4931, A replaced by G.
Protein change: p.Asn1644Ser; replaces asparagine 1644 with serine.
Molecular consequence: missense variant.
Genome position (GRCh38, 1-based): chr19:38,483,513, A>G. VCF-style: chr19-38483513-A-G. GRCh37 (hg19) VCF-style: chr19-38974153-A-G.
Other names: c.4931A>G, p.Asn1644Ser (NM_001042723.2); short protein forms N1644S.
Identifiers: ClinVar variation 374460 (VCV000374460.55), dbSNP rs1057519109, ClinGen allele CA16043745.

ClinVar aggregate classification (germline): Uncertain significance. Review status: criteria provided, multiple submitters, no conflicts (2 of 4 stars). 8 submissions from 6 submitters: Uncertain significance (8). Last evaluated 2024-02-15.

Conditions:
Congenital myopathy with fiber type disproportion. Also called: Congenital fiber-type disproportion; Congenital fiber-type disproportion myopathy. Identifiers: Orphanet 2020, MedGen C0546264, MONDO:0009711. Inheritance: all.
Congenital multicore myopathy with external ophthalmoplegia (CMYO1B). Also called: MULTICORE MYOPATHY; Congenital myopathy 1B, autosomal recessive; Minicore myopathy; Minicore myopathy with external ophthalmoplegia; MULTIMINICORE DISEASE WITH EXTERNAL OPHTHALMOPLEGIA. Identifiers: Orphanet 598, Orphanet 98905, MedGen C1850674, MONDO:0009712, OMIM 255320, HP:0003789.
Malignant hyperthermia, susceptibility to, 1 (MHS1). Also called: Anesthesia related hyperthermia; Malignant hyperpyrexia; Fulminating hyperpyrexia; Pharmacogenic myopathy; Malignant hyperthermia suceptibility 1; RYR1-Related Malignant Hyperthermia Susceptibility. Identifiers: Orphanet 423, MedGen C2930980, MONDO:0007783, OMIM 145600.
Central core myopathy (CMYO1A). Also called: Central core disease; Myopathy, central fibrillar; CONGENITAL MYOPATHY 1A, AUTOSOMAL DOMINANT, WITH SUSCEPTIBILITY TO MALIGNANT HYPERTHERMIA. Identifiers: Orphanet 597, MedGen C5830701, MONDO:0007294, OMIM 117000.
King Denborough syndrome (KDS). Identifiers: MedGen C1840365, MONDO:0020485, OMIM 619542.
RYR1-related disorder. Also called: RYR1-related condition; RYR1-related disorders. Identifiers: MedGen CN239331.

Allele frequency attached by ClinVar (database versions not stated): gnomAD exomes 0.00003 and 0.00002; TOPMed 0.00003; gnomAD 0.00005.
gnomAD v4.1: 35 of 1,546,158 alleles (0.0023%); highest among the groups gnomAD compares: Non-Finnish European, 0.003%; no homozygotes.

Submissions (8):

Color Diagnostics, LLC DBA Color Health
Classification: Uncertain significance for Malignant hyperthermia, susceptibility to, 1. Last evaluated: 2024-02-15. Review status: criteria provided, single submitter. Criteria: ACMG Guidelines, 2015. Collection method: clinical testing. Allele origin: germline.
Comment: This missense variant replaces asparagine with serine at codon 1644 of the RYR1 protein. Computational prediction is inconclusive regarding the impact of this variant on protein structure and function. To our knowledge, functional studies have not been reported for this variant. This variant has not been reported in individuals affected with RYR1-related disorders in the literature. This variant has been identified in 6/181362 chromosomes in the general population by the Genome Aggregation Database (gnomAD). The available evidence is insufficient to determine the role of this variant in disease conclusively. Therefore, this variant is classified as a Variant of Uncertain Significance.

Labcorp Genetics (formerly Invitae), Labcorp
Classification: Uncertain significance for RYR1-related disorder. Last evaluated: 2022-06-04. Review status: criteria provided, single submitter. Criteria: Invitae Variant Classification Sherloc (09022015). Collection method: clinical testing. Allele origin: germline.
Comment: This sequence change replaces asparagine, which is neutral and polar, with serine, which is neutral and polar, at codon 1644 of the RYR1 protein (p.Asn1644Ser). This variant is present in population databases (no rsID available, gnomAD 0.008%). This variant has not been reported in the literature in individuals affected with RYR1-related conditions. ClinVar contains an entry for this variant (Variation ID: 374460). Advanced modeling of protein sequence and biophysical properties (such as structural, functional, and spatial information, amino acid conservation, physicochemical variation, residue mobility, and thermodynamic stability) performed at Invitae indicates that this missense variant is not expected to disrupt RYR1 protein function. In summary, the available evidence is currently insufficient to determine the role of this variant in disease. Therefore, it has been classified as a Variant of Uncertain Significance.

Fulgent Genetics
Classification: Uncertain significance for Central core myopathy; Malignant hyperthermia, susceptibility to, 1; Congenital myopathy 4A, autosomal dominant; Congenital multicore myopathy with external ophthalmoplegia; King Denborough syndrome. Last evaluated: 2021-10-28. Review status: criteria provided, single submitter. Criteria: ACMG Guidelines, 2015. Collection method: clinical testing. Allele origin: unknown.

Illumina Laboratory Services, Illumina
Classification: Uncertain significance for Malignant hyperthermia, susceptibility to, 1. Last evaluated: 2018-03-02. Review status: criteria provided, single submitter. Criteria: ICSL Variant Classification Criteria 13 December 2019. Collection method: clinical testing. Allele origin: germline.

Illumina Laboratory Services, Illumina
Classification: Uncertain significance for Congenital multicore myopathy with external ophthalmoplegia. Last evaluated: 2018-03-02. Review status: criteria provided, single submitter. Criteria: ICSL Variant Classification Criteria 13 December 2019. Collection method: clinical testing. Allele origin: germline.

Illumina Laboratory Services, Illumina
Classification: Uncertain significance for Central core myopathy. Last evaluated: 2018-03-02. Review status: criteria provided, single submitter. Criteria: ICSL Variant Classification Criteria 13 December 2019. Collection method: clinical testing. Allele origin: germline.

CeGaT Center for Human Genetics Tuebingen
Classification: Uncertain significance. Last evaluated: 2016-08-01. Review status: criteria provided, single submitter. Criteria: CeGaT Center For Human Genetics Tuebingen Variant Classification Criteria Version 2. Collection method: clinical testing. Allele origin: germline. Affected: yes. Observed: 1 variant allele.

PreventionGenetics, part of Exact Sciences
Classification: Uncertain significance. Last evaluated: 2013-10-22. Review status: criteria provided, single submitter. Criteria: ACMG Guidelines, 2015. Collection method: clinical testing. Allele origin: germline.